The following is an entry in ClinVar:

ClinVar aggregate classification (germline): Uncertain significance. Review status: criteria provided, multiple submitters, no conflicts (2 of 4 stars). 5 submissions from 5 submitters: Uncertain significance (5). Last evaluated 2026-09-08.

Conditions:
Hereditary cancer-predisposing syndrome. Also called: Tumor predisposition; Hereditary neoplastic syndrome; Neoplastic Syndromes, Hereditary; Hereditary Cancer Syndrome. Identifiers: Orphanet 140162, MedGen C0027672, MeSH D009386, MONDO:0015356.
Retinoblastoma (RB1). Also called: RETINOBLASTOMA, SOMATIC. Identifiers: Orphanet 790, MedGen C0035335, MeSH D012175, MONDO:0008380, OMIM 180200, HP:0009919. Disease mechanism: loss of function. Inheritance: Both sporadic and heritable forms are tested..

gnomAD v4.1: 6 of 1,614,122 alleles (0.00037%); highest among the groups gnomAD compares: Non-Finnish European, 0.00051%; no homozygotes.

Submissions (5):

Ambry Genetics
Classification: Uncertain significance for Hereditary cancer-predisposing syndrome. Last evaluated: 2026-09-08. Review status: criteria provided, single submitter. Criteria: Ambry Variant Classification Scheme 2023. Collection method: clinical testing. Allele origin: germline.
Comment: The p.C666R variant (also known as c.1996T>C), located in coding exon 20 of the RB1 gene, results from a T to C substitution at nucleotide position 1996. The cysteine at codon 666 is replaced by arginine, an amino acid with highly dissimilar properties. This amino acid position is well conserved in available vertebrate species. In addition, this alteration is predicted to be deleterious by in silico analysis. Based on the available evidence, the clinical significance of this variant remains unclear.

GeneDx
Classification: Uncertain significance. Last evaluated: 2024-06-18. Review status: criteria provided, single submitter. Criteria: GeneDx Variant Classification Process June 2021. Collection method: clinical testing. Allele origin: germline. Affected: yes.
Comment: Not observed at significant frequency in large population cohorts (gnomAD); In silico analysis supports that this missense variant has a deleterious effect on protein structure/function; Has not been previously published as pathogenic or benign to our knowledge; This variant is associated with the following publications: (PMID: 15605413, 23516486)

All of Us Research Program, National Institutes of Health
Classification: Uncertain significance for Retinoblastoma. Last evaluated: 2023-06-27. Review status: criteria provided, single submitter. Criteria: ACMG Guidelines, 2015. Collection method: clinical testing. Allele origin: germline. Inheritance: Autosomal dominant inheritance. Observed: 1 variant allele, 1 heterozygote.
Comment: This study involves interpretation of variants in research participants for the purpose of population health screening. Participant phenotype was not available at the time of variant classification. Additional details can be found in publication PMID: 35346344, PMCID: PMC8962531

Labcorp Genetics (formerly Invitae), Labcorp
Classification: Uncertain significance for Retinoblastoma. Last evaluated: 2023-05-09. Review status: criteria provided, single submitter. Criteria: Invitae Variant Classification Sherloc (09022015). Collection method: clinical testing. Allele origin: germline.
Comment: In summary, the available evidence is currently insufficient to determine the role of this variant in disease. Therefore, it has been classified as a Variant of Uncertain Significance. Advanced modeling of protein sequence and biophysical properties (such as structural, functional, and spatial information, amino acid conservation, physicochemical variation, residue mobility, and thermodynamic stability) performed at Invitae indicates that this missense variant is expected to disrupt RB1 protein function. ClinVar contains an entry for this variant (Variation ID: 882692). This variant has not been reported in the literature in individuals affected with RB1-related conditions. This variant is not present in population databases (gnomAD no frequency). This sequence change replaces cysteine, which is neutral and slightly polar, with arginine, which is basic and polar, at codon 666 of the RB1 protein (p.Cys666Arg).

Illumina Laboratory Services, Illumina
Classification: Uncertain significance for Retinoblastoma. Last evaluated: 2017-04-27. Review status: criteria provided, single submitter. Criteria: ICSL Variant Classification Criteria 13 December 2019. Collection method: clinical testing. Allele origin: germline.
Comment: This variant was observed as part of a predisposition screen in an ostensibly healthy population. A literature search was performed for the gene, cDNA change, and amino acid change (where applicable). Publications were found based on this search. However, the evidence from the literature, in combination with allele frequency data from public databases where available, was not sufficient to rule this variant in or out of causing disease. Therefore, this variant is classified as a variant of unknown significance.

Literature cited by the submitters: PubMed 15605413 (cited by Illumina Laboratory Services, Illumina).

NM_000321.3(RB1):c.1996T>C (p.Cys666Arg)

Gene: RB1 (RB transcriptional corepressor 1; plus strand). Cytogenetic location: 13q14.2.
Variant type: single nucleotide variant.
Coding change: c.1996T>C on transcript NM_000321.3 (MANE Select); coding-DNA position 1996, T replaced by C.
Protein change: p.Cys666Arg; replaces cysteine 666 with arginine.
Molecular consequence: missense variant.
Genome position (GRCh38, 1-based): chr13:48,459,723, T>C. VCF-style: chr13-48459723-T-C. GRCh37 (hg19) VCF-style: chr13-49033859-T-C.
Other names: short protein forms C666R.
Identifiers: ClinVar variation 882692 (VCV000882692.14), dbSNP rs1949383921, ClinGen allele CA388166727.